The following is an entry in ClinVar:

ClinVar aggregate classification (germline): Pathogenic. Review status: criteria provided, multiple submitters, no conflicts (2 of 4 stars). 5 submissions from 5 submitters: Pathogenic (4). 1 of the submissions does not count toward it. Last evaluated 2025-07-14.

Conditions:
Hereditary cancer-predisposing syndrome. Also called: Tumor predisposition; Hereditary Cancer Syndrome; Hereditary neoplastic syndrome; Neoplastic Syndromes, Hereditary. Identifiers: Orphanet 140162, MedGen C0027672, MeSH D009386, MONDO:0015356.
Familial adenomatous polyposis 1 (FAP1). Also called: FAMILIAL ADENOMATOUS POLYPOSIS 1, ATTENUATED; POLYPOSIS, ADENOMATOUS INTESTINAL. Identifiers: MedGen C2713442, MONDO:0021056, OMIM 175100. Disease mechanism: loss of function.

Submissions (5):

Labcorp Genetics (formerly Invitae), Labcorp
Classification: Pathogenic for Familial adenomatous polyposis 1. Last evaluated: 2025-07-14. Review status: criteria provided, single submitter. Criteria: Invitae Variant Classification Sherloc (09022015). Collection method: clinical testing. Allele origin: germline.
Comment: This sequence change creates a premature translational stop signal (p.Val569*) in the APC gene. It is expected to result in an absent or disrupted protein product. Loss-of-function variants in APC are known to be pathogenic (PMID: 17963004, 20685668). This variant is not present in population databases (gnomAD no frequency). This variant has not been reported in the literature in individuals affected with APC-related conditions. ClinVar contains an entry for this variant (Variation ID: 487422). For these reasons, this variant has been classified as Pathogenic.

GeneDx
Classification: Pathogenic. Last evaluated: 2025-02-21. Review status: criteria provided, single submitter. Criteria: GeneDx Variant Classification Process June 2021. Collection method: clinical testing. Allele origin: germline. Affected: yes.
Comment: Nonsense variant predicted to result in protein truncation or nonsense mediated decay in a gene for which loss of function is a known mechanism of disease; Not observed at significant frequency in large population cohorts (gnomAD); Has not been previously published as pathogenic or benign to our knowledge

Myriad Genetics, Inc.
Classification: Pathogenic for Familial adenomatous polyposis 1. Last evaluated: 2023-05-02. Review status: criteria provided, single submitter. Criteria: Myriad Autosomal Dominant, Autosomal Recessive and X-Linked Classification Criteria (2023). Collection method: clinical testing. Allele origin: unknown.
Comment: This variant is considered pathogenic. This variant creates a termination codon and is predicted to result in premature protein truncation.

Ambry Genetics
Classification: Pathogenic for Hereditary cancer-predisposing syndrome. Last evaluated: 2014-12-24. Review status: criteria provided, single submitter. Criteria: Ambry Variant Classification Scheme 2023. Collection method: clinical testing. Allele origin: germline.
Comment: The c.1705delG pathogenic mutation, located in coding exon 13 of the APC gene, results from a deletion of one nucleotide at nucleotide position 1705, causing a translational frameshift with a predicted alternate stop codon. Since frameshifts are typically deleterious in nature, this alteration is interpreted as a disease-causing mutation (ACMG Recommendations for Standards for Interpretation and Reporting of Sequence Variations. Revision 2007. Genet Med. 2008;10:294).

Counsyl
Classification: Likely pathogenic for Familial adenomatous polyposis 1. Last evaluated: 2017-02-10. Review status: no assertion criteria provided. Collection method: clinical testing. Allele origin: unknown. Not counted in ClinVar's aggregate classification.

Literature cited by the submitters: PubMed 17963004 (cited by Labcorp Genetics (formerly Invitae), Labcorp); PubMed 20685668 (cited by Labcorp Genetics (formerly Invitae), Labcorp).

NM_000038.6(APC):c.1705del (p.Ser568_Val569insTer)

Gene: APC (APC regulator of Wnt signaling pathway; plus strand). Cytogenetic location: 5q22.2.
Variant type: Deletion.
Coding change: c.1705del on transcript NM_000038.6 (MANE Select); coding-DNA position 1705, one base deleted (G; older notation c.1705delG).
Protein change: p.Ser568_Val569insTer.
Molecular consequence: nonsense.
Genome position (GRCh38, 1-based): chr5:112,828,934, G deleted. VCF-style (leftmost placement, unchanged base first): chr5-112828933-TG-T. GRCh37 (hg19) VCF-style: chr5-112164630-TG-T.
Other names: c.1705delG (NM_000038.5); c.1705del (NM_000038.5); c.1705del, p.Ser568_Val569insTer (NM_001127510.3, NM_001354895.2); c.1651del, p.Ser550_Val551insTer (NM_001127511.3); c.1759del, p.Ser586_Val587insTer (NM_001354896.2); c.1735del, p.Ser578_Val579insTer (NM_001354897.2); c.1630del, p.Ser543_Val544insTer (NM_001354898.2); c.1621del, p.Ser540_Val541insTer (NM_001354899.2); and 7 more.
Identifiers: ClinVar variation 487422 (VCV000487422.15), dbSNP rs1554082135, ClinGen allele CA658655950.